The following is an entry in ClinVar:

NM_002470.4(MYH3):c.2839G>A (p.Glu947Lys)

Gene: MYH3 (myosin heavy chain 3; minus strand). Cytogenetic location: 17p13.1.
Variant type: single nucleotide variant.
Coding change: c.2839G>A on transcript NM_002470.4 (MANE Select); coding-DNA position 2839, G replaced by A.
Protein change: p.Glu947Lys; replaces glutamic acid 947 with lysine.
Molecular consequence: missense variant.
Genome position (GRCh38, 1-based): chr17:10,639,646, C>T on the plus strand (G>A on the coding strand, the complement: MYH3 is on the minus strand). VCF-style: chr17-10639646-C-T. GRCh37 (hg19) VCF-style: chr17-10542963-C-T.
Other names: short protein forms E947K.
Identifiers: ClinVar variation 2101673 (VCV002101673.4), dbSNP rs2508598854, ClinGen allele CA398157187.

ClinVar aggregate classification (germline): Uncertain significance (1 of 4 stars; one submission).

Submission:

Labcorp Genetics (formerly Invitae), Labcorp
Classification: Uncertain significance. Last evaluated: 2025-10-21. Review status: criteria provided, single submitter. Criteria: Invitae Variant Classification Sherloc (09022015). Collection method: clinical testing. Allele origin: germline.
Comment: This sequence change replaces glutamic acid, which is acidic and polar, with lysine, which is basic and polar, at codon 947 of the MYH3 protein (p.Glu947Lys). This variant is not present in population databases (gnomAD no frequency). This variant has not been reported in the literature in individuals affected with MYH3-related conditions. ClinVar contains an entry for this variant (Variation ID: 2101673). Invitae Evidence Modeling of protein sequence and biophysical properties (such as structural, functional, and spatial information, amino acid conservation, physicochemical variation, residue mobility, and thermodynamic stability) indicates that this missense variant is not expected to disrupt MYH3 protein function with a negative predictive value of 95%. In summary, the available evidence is currently insufficient to determine the role of this variant in disease. Therefore, it has been classified as a Variant of Uncertain Significance.